The following is an entry in ClinVar:

NM_006265.3(RAD21):c.1228G>T (p.Ala410Ser)

Gene: RAD21 (RAD21 cohesin complex component; minus strand). Cytogenetic location: 8q24.11.
Variant type: single nucleotide variant.
Coding change: c.1228G>T on transcript NM_006265.3 (MANE Select); coding-DNA position 1228, G replaced by T.
Protein change: p.Ala410Ser; replaces alanine 410 with serine.
Molecular consequence: missense variant.
Genome position (GRCh38, 1-based): chr8:116,852,642, C>A on the plus strand (G>T on the coding strand, the complement: RAD21 is on the minus strand). VCF-style: chr8-116852642-C-A. GRCh37 (hg19) VCF-style: chr8-117864881-C-A.
Other names: short protein forms A410S.
Identifiers: ClinVar variation 2844131 (VCV002844131.3), dbSNP rs758179505, ClinGen allele CA371999027.

ClinVar aggregate classification (germline): Uncertain significance (1 of 4 stars; one submission).

Conditions:
Cornelia de Lange syndrome 4 (CDLS4). Also called: RAD21-Related Cornelia de Lange Syndrome; CORNELIA DE LANGE SYNDROME 4 WITH OR WITHOUT MIDLINE BRAIN DEFECTS. Identifiers: Orphanet 199, MedGen C3553517, MONDO:0013864, OMIM 614701.

Submission:

Labcorp Genetics (formerly Invitae), Labcorp
Classification: Uncertain significance for Cornelia de Lange syndrome 4. Last evaluated: 2023-03-08. Review status: criteria provided, single submitter. Criteria: Invitae Variant Classification Sherloc (09022015). Collection method: clinical testing. Allele origin: germline.
Comment: This sequence change replaces alanine, which is neutral and non-polar, with serine, which is neutral and polar, at codon 410 of the RAD21 protein (p.Ala410Ser). This variant is not present in population databases (gnomAD no frequency). This variant has not been reported in the literature in individuals affected with RAD21-related conditions. Advanced modeling of protein sequence and biophysical properties (such as structural, functional, and spatial information, amino acid conservation, physicochemical variation, residue mobility, and thermodynamic stability) performed at Invitae indicates that this missense variant is not expected to disrupt RAD21 protein function. In summary, the available evidence is currently insufficient to determine the role of this variant in disease. Therefore, it has been classified as a Variant of Uncertain Significance.